The following is an entry in ClinVar:

NC_000013.10:g.(?_32889617)_(32905187_?)del

Gene: BRCA2 (BRCA2 DNA repair associated; plus strand). Cytogenetic location: 13q13.1.
Variant type: Deletion.
Identifiers: ClinVar variation 1460435 (VCV001460435.6).

ClinVar aggregate classification (germline): Pathogenic (1 of 4 stars; one submission).

Conditions:
Hereditary breast ovarian cancer syndrome. Also called: Hereditary breast and ovarian cancer; Breast and ovarian cancer; BRCA1- and BRCA2-Associated Hereditary Breast and Ovarian Cancer; Hereditary breast and/or ovarian cancer syndrome; Hereditary breast and ovarian cancer syndrome; Hereditary breast and ovarian cancer syndrome (HBOC). Identifiers: Orphanet 145, MedGen C0677776, MeSH D061325, MONDO:0003582. Disease mechanism: loss of function.

Submission:

Labcorp Genetics (formerly Invitae), Labcorp
Classification: Pathogenic for Hereditary breast ovarian cancer syndrome. Last evaluated: 2021-04-05. Review status: criteria provided, single submitter. Criteria: Invitae Variant Classification Sherloc (09022015). Collection method: clinical testing. Allele origin: germline.
Comment: For these reasons, this variant has been classified as Pathogenic. This variant has not been reported in the literature in individuals with BRCA2-related conditions. This variant is a gross deletion of the genomic region encompassing exon(s) 1-9 of the BRCA2 gene, which includes the initiator codon. The 5' end of this event is unknown as it extends beyond the assayed region for this gene and therefore may encompass additional genes. The 3' boundary is likely confined to intron 9 of the BRCA2 gene. It is expected to result in an absent or disrupted protein product. Loss-of-function variants in BRCA2 are known to be pathogenic (PMID: 20104584).

Literature cited by the submitters: PubMed 20104584.